The following is an entry in ClinVar:

NM_001082486.2(ACD):c.67C>A (p.Pro23Thr)

Gene: ACD (ACD shelterin complex subunit and telomerase recruitment factor; minus strand). Cytogenetic location: 16q22.1.
Variant type: single nucleotide variant.
Coding change: c.67C>A on transcript NM_001082486.2 (MANE Select); coding-DNA position 67, C replaced by A.
Protein change: p.Pro23Thr; replaces proline 23 with threonine.
Molecular consequence: missense variant.
Genome position (GRCh38, 1-based): chr16:67,660,154, G>T on the plus strand (C>A on the coding strand, the complement: ACD is on the minus strand). VCF-style: chr16-67660154-G-T. GRCh37 (hg19) VCF-style: chr16-67694057-G-T.
Other names: c.325C>A (NM_001082486.1); c.67C>A, p.Pro23Thr (NM_022914.3); short protein forms P23T.
Identifiers: ClinVar variation 1337927 (VCV001337927.10), dbSNP rs1039048796, ClinGen allele CA283218690.

ClinVar aggregate classification (germline): Uncertain significance. Review status: criteria provided, multiple submitters, no conflicts (2 of 4 stars). 3 submissions from 3 submitters: Uncertain significance (3). Last evaluated 2025-03-31.

Conditions:
Inborn genetic diseases. Identifiers: MedGen C0950123, MeSH D030342.
Dyskeratosis congenita, autosomal dominant 6 (DKCA6). Identifiers: Orphanet 3322, MedGen C4225284, MONDO:0014690, OMIM 616553.

Allele frequency attached by ClinVar (database versions not stated): gnomAD exomes below 0.00001 and 0.00001; TOPMed 0.00001; gnomAD 0.00001.

Submissions (3):

Labcorp Genetics (formerly Invitae), Labcorp
Classification: Uncertain significance for Dyskeratosis congenita, autosomal dominant 6. Last evaluated: 2025-03-31. Review status: criteria provided, single submitter. Criteria: Invitae Variant Classification Sherloc (09022015). Collection method: clinical testing. Allele origin: germline.
Comment: This sequence change replaces proline, which is neutral and non-polar, with threonine, which is neutral and polar, at codon 109 of the ACD protein (p.Pro109Thr). The frequency data for this variant in the population databases is considered unreliable, as metrics indicate poor data quality at this position in the gnomAD database. This variant has not been reported in the literature in individuals affected with ACD-related conditions. ClinVar contains an entry for this variant (Variation ID: 1337927). Invitae Evidence Modeling of protein sequence and biophysical properties (such as structural, functional, and spatial information, amino acid conservation, physicochemical variation, residue mobility, and thermodynamic stability) indicates that this missense variant is not expected to disrupt ACD protein function with a negative predictive value of 80%. In summary, the available evidence is currently insufficient to determine the role of this variant in disease. Therefore, it has been classified as a Variant of Uncertain Significance.

Ambry Genetics
Classification: Uncertain significance for Inborn genetic diseases. Last evaluated: 2024-11-08. Review status: criteria provided, single submitter. Criteria: Ambry Variant Classification Scheme 2023. Collection method: clinical testing. Allele origin: germline.

Genetic Services Laboratory, University of Chicago
Classification: Uncertain significance. Last evaluated: 2021-05-03. Review status: criteria provided, single submitter. Criteria: ACMG Guidelines, 2015. Collection method: clinical testing. Allele origin: germline. Affected: no.
Comment: DNA sequence analysis of the ACD gene demonstrated a sequence change, c.67C>A, in exon 1 that results in an amino acid change, p.Pro23Thr. This sequence change has been described in gnomAD with a frequency of 0.0009% in the Non-Finnish European sub-population (dbSNP rs1039048796). The p.Pro23Thr change affects a moderately conserved amino acid residue located in a domain of the ACD protein that is not known to be functional. In-silico pathogenicity prediction tools (SIFT, PolyPhen2, Align GVGD, REVEL) provide contradictory results for the p.Pro23Thr substitution. This sequence change does not appear to have been previously described in patients with ACD-related disorders. Due to the lack of sufficient evidences, the clinical significance of the p.Pro23Thr change remains unknown at this time.